The following is an entry in ClinVar:

ClinVar aggregate classification (germline): Conflicting classifications of pathogenicity. Review status: criteria provided, conflicting classifications (1 of 4 stars). 2 submissions from 2 submitters: Uncertain significance (1); Likely benign (1). Last evaluated 2026-02-03.

Conditions:
Hereditary cancer-predisposing syndrome. Also called: Hereditary Cancer Syndrome; Tumor predisposition; Neoplastic Syndromes, Hereditary; Hereditary neoplastic syndrome. Identifiers: Orphanet 140162, MedGen C0027672, MeSH D009386, MONDO:0015356.
Familial meningioma. Also called: Meningioma, familial, susceptibility to. Identifiers: Orphanet 263662, MedGen C3551915, MONDO:0011789, OMIM 607174.

Submissions (2):

Ambry Genetics
Classification: Likely benign for Hereditary cancer-predisposing syndrome. Last evaluated: 2026-02-03. Review status: criteria provided, single submitter. Criteria: Ambry Variant Classification Scheme 2023. Collection method: clinical testing. Allele origin: germline.

Labcorp Genetics (formerly Invitae), Labcorp
Classification: Uncertain significance for Familial meningioma. Last evaluated: 2025-05-05. Review status: criteria provided, single submitter. Criteria: Invitae Variant Classification Sherloc (09022015). Collection method: clinical testing. Allele origin: germline.
Comment: This sequence change replaces glutamic acid, which is acidic and polar, with alanine, which is neutral and non-polar, at codon 372 of the SMARCE1 protein (p.Glu372Ala). This variant is not present in population databases (gnomAD no frequency). This variant has not been reported in the literature in individuals affected with SMARCE1-related conditions. ClinVar contains an entry for this variant (Variation ID: 855790). Invitae Evidence Modeling of protein sequence and biophysical properties (such as structural, functional, and spatial information, amino acid conservation, physicochemical variation, residue mobility, and thermodynamic stability) indicates that this missense variant is not expected to disrupt SMARCE1 protein function with a negative predictive value of 80%. In summary, the available evidence is currently insufficient to determine the role of this variant in disease. Therefore, it has been classified as a Variant of Uncertain Significance.

NM_003079.5(SMARCE1):c.1115A>C (p.Glu372Ala)

Gene: SMARCE1 (SWI/SNF related BAF chromatin remodeling complex subunit E1; minus strand). Cytogenetic location: 17q21.2.
Variant type: single nucleotide variant.
Coding change: c.1115A>C on transcript NM_003079.5 (MANE Select); coding-DNA position 1115, A replaced by C.
Protein change: p.Glu372Ala; replaces glutamic acid 372 with alanine.
Molecular consequence: missense variant.
Genome position (GRCh38, 1-based): chr17:40,628,906, T>G on the plus strand (A>C on the coding strand, the complement: SMARCE1 is on the minus strand). VCF-style: chr17-40628906-T-G. GRCh37 (hg19) VCF-style: chr17-38785158-T-G.
Other names: short protein forms E372A.
Identifiers: ClinVar variation 855790 (VCV000855790.10), dbSNP rs2037061989, ClinGen allele CA399361335.